The following is an entry in ClinVar:

NC_000016.9:g.(?_23640324)_(23646511_?)del

Gene: PALB2 (partner and localizer of BRCA2; minus strand). Cytogenetic location: 16p12.2.
Variant type: Deletion.
Identifiers: ClinVar variation 3243355 (VCV003243355.1).

ClinVar aggregate classification (germline): Likely pathogenic (1 of 4 stars; one submission).

Conditions:
Familial cancer of breast. Also called: BREAST CANCER, FAMILIAL; Hereditary breast cancer; hereditary breast carcinoma. Identifiers: Orphanet 227535, MedGen C0346153, MONDO:0016419, OMIM 114480. Disease mechanism: loss of function.

Submission:

Labcorp Genetics (formerly Invitae), Labcorp
Classification: Likely pathogenic for Familial cancer of breast. Last evaluated: 2022-07-19. Review status: criteria provided, single submitter. Criteria: Invitae Variant Classification Sherloc (09022015). Collection method: clinical testing. Allele origin: unknown.
Comment: This variant has not been reported in the literature in individuals affected with PALB2-related conditions. In summary, the currently available evidence indicates that the variant is pathogenic, but additional data are needed to prove that conclusively. Therefore, this variant has been classified as Likely Pathogenic. ClinVar contains an entry for this variant (Variation ID: 853702). This variant results in the deletion of exons 5-6 and part of exon 4(c.1356_2586+201del) of the PALB2 gene. It is expected to disrupt RNA splicing. Variants that disrupt the donor or acceptor splice site typically lead to a loss of protein function (PMID: 16199547), and loss-of-function variants in PALB2 are known to be pathogenic (PMID: 17200668, 17200671, 17200672, 24136930, 25099575).

Literature cited by the submitters: PubMed 16199547; PubMed 17200668; PubMed 17200671; PubMed 17200672; PubMed 24136930; PubMed 25099575.